The following is an entry in ClinVar:

ClinVar aggregate classification (germline): Uncertain significance (1 of 4 stars; one submission).

Submission:

GeneDx
Classification: Uncertain significance. Last evaluated: 2023-02-13. Review status: criteria provided, single submitter. Criteria: GeneDx Variant Classification Process June 2021. Collection method: clinical testing. Allele origin: germline. Affected: yes.
Comment: Not observed at significant frequency in large population cohorts (gnomAD); In silico analysis supports that this variant does not alter splicing; Has not been previously published as pathogenic or benign to our knowledge; Variants in candidate genes are classified as variants of uncertain significance in accordance with ACMG guidelines (Richards et al., 2015)

NM_001003699.4(RREB1):c.3809-1G>T

Gene: RREB1 (ras responsive element binding protein 1; plus strand). Cytogenetic location: 6p24.3.
Variant type: single nucleotide variant.
Coding change: c.3809-1G>T on transcript NM_001003699.4 (MANE Select); the canonical splice acceptor site of the intron before coding-DNA position 3809, G replaced by T.
Molecular consequence: splice acceptor variant. On other transcripts: intron variant (2).
Genome position (GRCh38, 1-based): chr6:7,240,437, G>T. VCF-style: chr6-7240437-G-T. GRCh37 (hg19) VCF-style: chr6-7240670-G-T.
Other names: c.3809-5987G>T (NM_001168344.2, NM_001003698.4); c.3809-1G>T (NM_001003700.2).
Identifiers: ClinVar variation 4055797 (VCV004055797.1).
Genomic context (GRCh38, chr6:7,240,437, plus strand): 5'-GACTTTTCTATTTCATTGCAGTAGAAAGCCAGATAAATATATATTTTTTTTCCTGCTTCA[G>T]GTCAGAAACCCTTCCCTTGTCAAAAATGCGATGCCTTCTTTTCTACCAAATCTAACTGTG-3'